The following is an entry in ClinVar:

ClinVar aggregate classification (germline): Conflicting classifications of pathogenicity. Review status: criteria provided, conflicting classifications (1 of 4 stars). 3 submissions from 3 submitters: Uncertain significance (1); Likely benign (2). Last evaluated 2026-02-18.

Conditions:
ZNF469-related disorder. Also called: ZNF469-related condition.
Cardiovascular phenotype. Identifiers: MedGen CN230736.

Allele frequency attached by ClinVar (database versions not stated): gnomAD 0.00003; ExAC 0.00007; TOPMed 0.00008; 1000 Genomes Project 30x 0.00031; 1000 Genomes Project 0.00040.
gnomAD v4.1: 99 of 1,550,232 alleles (0.0064%); highest among the groups gnomAD compares: East Asian, 0.12%; no homozygotes.

Submissions (3):

Women's Health and Genetics/Laboratory Corporation of America, LabCorp
Classification: Uncertain significance. Last evaluated: 2026-02-18. Review status: criteria provided, single submitter. Criteria: LabCorp Variant Classification Summary - May 2015. Collection method: clinical testing. Allele origin: germline.
Comment: Variant summary: ZNF469 c.7450G>A (p.Gly2484Arg) results in a non-conservative amino acid change in the encoded protein sequence. Algorithms developed to predict the effect of missense changes on protein structure and function are either unavailable or do not agree on the potential impact of this missense change. The variant allele was found at a frequency of 0.00016 in 148004 control chromosomes. This frequency is not significantly higher than estimated for disease-causing variants in ZNF469, allowing no conclusion about variant significance. To our knowledge, no occurrence of c.7450G>A in individuals affected with ZNF469-related conditions and no experimental evidence demonstrating its impact on protein function have been reported. ClinVar contains an entry for this variant (Variation ID: 1758532). Based on the evidence outlined above, the variant was classified as uncertain significance.

PreventionGenetics, part of Exact Sciences
Classification: Likely benign for ZNF469-related condition. Last evaluated: 2025-12-30. Review status: criteria provided, single submitter. Criteria: ACMG Guidelines, 2015. Collection method: clinical testing. Allele origin: germline.
Comment: This variant is classified as likely benign based on ACMG/AMP sequence variant interpretation guidelines (Richards et al. 2015 PMID: 25741868, with internal and published modifications).

Ambry Genetics
Classification: Likely benign for Cardiovascular phenotype. Last evaluated: 2023-02-28. Review status: criteria provided, single submitter. Criteria: Ambry Variant Classification Scheme 2023. Collection method: clinical testing. Allele origin: germline.

NM_001367624.2(ZNF469):c.7450G>A (p.Gly2484Arg)

Gene: ZNF469 (zinc finger protein 469; plus strand). Cytogenetic location: 16q24.2.
Variant type: single nucleotide variant.
Coding change: c.7450G>A on transcript NM_001367624.2 (MANE Select); coding-DNA position 7450, G replaced by A.
Protein change: p.Gly2484Arg; replaces glycine 2484 with arginine.
Molecular consequence: missense variant.
Genome position (GRCh38, 1-based): chr16:88,434,920, G>A. VCF-style: chr16-88434920-G-A. GRCh37 (hg19) VCF-style: chr16-88501328-G-A.
Other names: NM_001127464.1:c.7366G>A; NM_001127464.2:c.7366G>A; short protein forms G2484R.
Identifiers: ClinVar variation 1758532 (VCV001758532.6), dbSNP rs561743358, ClinGen allele CA8225245.